The following is an entry in ClinVar:

NM_006231.4(POLE):c.6517T>A (p.Ser2173Thr)

Gene: POLE (DNA polymerase epsilon, catalytic subunit; minus strand). Cytogenetic location: 12q24.33.
Variant type: single nucleotide variant.
Coding change: c.6517T>A on transcript NM_006231.4 (MANE Select); coding-DNA position 6517, T replaced by A.
Protein change: p.Ser2173Thr; replaces serine 2173 with threonine.
Molecular consequence: missense variant.
Genome position (GRCh38, 1-based): chr12:132,626,131, A>T on the plus strand (T>A on the coding strand, the complement: POLE is on the minus strand). VCF-style: chr12-132626131-A-T. GRCh37 (hg19) VCF-style: chr12-133202717-A-T.
Other names: short protein forms S2173T.
Identifiers: ClinVar variation 4862294 (VCV004862294.1).

ClinVar aggregate classification (germline): Uncertain significance (1 of 4 stars; one submission).

Conditions:
Hereditary cancer-predisposing syndrome. Also called: Neoplastic Syndromes, Hereditary; Tumor predisposition; Hereditary Cancer Syndrome; Hereditary neoplastic syndrome. Identifiers: Orphanet 140162, MedGen C0027672, MeSH D009386, MONDO:0015356.

Submission:

Ambry Genetics
Classification: Uncertain significance for Hereditary cancer-predisposing syndrome. Last evaluated: 2026-04-30. Review status: criteria provided, single submitter. Criteria: Ambry Variant Classification Scheme 2023. Collection method: clinical testing. Allele origin: germline.
Comment: The p.S2173T variant (also known as c.6517T>A), located in coding exon 46 of the POLE gene, results from a T to A substitution at nucleotide position 6517. The serine at codon 2173 is replaced by threonine, an amino acid with similar properties. This amino acid position is conserved. In addition, this alteration is predicted to be tolerated by in silico analysis. Based on the available evidence, the clinical significance of this variant remains unclear.